The following is an entry in ClinVar:

ClinVar aggregate classification (germline): Pathogenic. Review status: criteria provided, multiple submitters, no conflicts (2 of 4 stars). 2 submissions from 2 submitters: Pathogenic (2). Last evaluated 2025-08-01.

Conditions:
Inborn genetic diseases. Identifiers: MedGen C0950123, MeSH D030342.

Submissions (2):

Ambry Genetics
Classification: Pathogenic for Inborn genetic diseases. Last evaluated: 2025-08-01. Review status: criteria provided, single submitter. Criteria: Ambry Variant Classification Scheme 2023. Collection method: clinical testing. Allele origin: germline.
Comment: The c.248delG pathogenic mutation, located in coding exon 2 of the MBD4 gene, results from a deletion of one nucleotide at nucleotide position 248, causing a translational frameshift with a predicted alternate stop codon (p.R83Lfs*12). This alteration is expected to result in loss of function by premature protein truncation or nonsense-mediated mRNA decay. As such, this alteration is interpreted as a disease-causing mutation.

Labcorp Genetics (formerly Invitae), Labcorp
Classification: Pathogenic. Last evaluated: 2025-01-08. Review status: criteria provided, single submitter. Criteria: Invitae Variant Classification Sherloc (09022015). Collection method: clinical testing. Allele origin: germline.
Comment: This sequence change creates a premature translational stop signal (p.Arg83Leufs*12) in the MBD4 gene. It is expected to result in an absent or disrupted protein product. Loss-of-function variants in MBD4 are known to be pathogenic (PMID: 30049810, 35460607). This variant is present in population databases (rs774306571, gnomAD 0.01%). This variant has not been reported in the literature in individuals affected with MBD4-related conditions. For these reasons, this variant has been classified as Pathogenic.

Literature cited by the submitters: PubMed 30049810 (cited by Labcorp Genetics (formerly Invitae), Labcorp); PubMed 35460607 (cited by Labcorp Genetics (formerly Invitae), Labcorp).

NM_001276270.2(MBD4):c.248del (p.Arg83fs)

Gene: MBD4 (methyl-CpG binding domain 4, DNA glycosylase; minus strand). Cytogenetic location: 3q21.3.
Variant type: Deletion.
Coding change: c.248del on transcript NM_001276270.2 (MANE Select); coding-DNA position 248, one base deleted (G; older notation c.248delG).
Protein change: p.Arg83fs; shifts the reading frame from arginine 83.
Molecular consequence: frameshift variant. On other transcripts: splice donor variant (1).
Genome position (GRCh38, 1-based): chr3:129,437,807, C deleted on the plus strand (G on the coding strand, the reverse complement: MBD4 is on the minus strand). VCF-style (leftmost placement, unchanged base first): chr3-129437806-AC-A. GRCh37 (hg19) VCF-style: chr3-129156649-AC-A.
Other names: c.248delG (NM_001276270.2); c.248del, p.Arg83fs (NM_001276271.2, NM_001276272.2, NM_003925.3); c.247+1del (NM_001276273.2); short protein forms R83fs.
Identifiers: ClinVar variation 3676854 (VCV003676854.3).